The following is an entry in ClinVar:

NM_001273.5(CHD4):c.2734T>C (p.Leu912=)

Gene: CHD4 (chromodomain helicase DNA binding protein 4; minus strand). Cytogenetic location: 12p13.31.
Variant type: single nucleotide variant.
Coding change: c.2734T>C on transcript NM_001273.5 (MANE Select); coding-DNA position 2734, T replaced by C.
Protein change: p.Leu912=; no amino-acid change (leucine 912 retained).
Molecular consequence: synonymous variant.
Genome position (GRCh38, 1-based): chr12:6,592,736, A>G on the plus strand (T>C on the coding strand, the complement: CHD4 is on the minus strand). VCF-style: chr12-6592736-A-G. GRCh37 (hg19) VCF-style: chr12-6701902-A-G.
Other names: c.2713T>C, p.Leu905= (NM_001297553.2); c.2695T>C, p.Leu899= (NM_001363606.2).
Identifiers: ClinVar variation 744637 (VCV000744637.6), dbSNP rs142502385, ClinGen allele CA6411914.

ClinVar aggregate classification (germline): Benign/Likely benign. Review status: criteria provided, multiple submitters, no conflicts (2 of 4 stars). 3 submissions from 3 submitters: Benign (1); Likely benign (2). Last evaluated 2026-07-19.

Conditions:
CHD4-related disorder. Also called: CHD4-related condition.

Allele frequency attached by ClinVar (database versions not stated): TOPMed 0.00002; gnomAD exomes 0.00008 and 0.00021; gnomAD 0.00010 and 0.00011; 1000 Genomes Project 30x 0.00016; 1000 Genomes Project 0.00020; ExAC 0.00026.
gnomAD v4.1: 139 of 1,614,038 alleles (0.0086%); highest among the groups gnomAD compares: Middle Eastern, 0.016%; 1 homozygote.

Submissions (3):

PreventionGenetics, part of Exact Sciences
Classification: Likely benign for CHD4-related condition. Last evaluated: 2026-07-19. Review status: criteria provided, single submitter. Criteria: ACMG Guidelines, 2015. Collection method: clinical testing. Allele origin: germline.
Comment: This variant is classified as likely benign based on ACMG/AMP sequence variant interpretation guidelines (Richards et al. 2015 PMID: 25741868, with internal and published modifications).

Labcorp Genetics (formerly Invitae), Labcorp
Classification: Benign. Last evaluated: 2025-08-29. Review status: criteria provided, single submitter. Criteria: Invitae Variant Classification Sherloc (09022015). Collection method: clinical testing. Allele origin: germline.

Blueprint Genetics
Classification: Likely benign. Last evaluated: 2024-10-18. Review status: criteria provided, single submitter. Criteria: ACMG Guidelines, 2015. Collection method: clinical testing. Allele origin: germline.